The following is an entry in ClinVar:

ClinVar aggregate classification (germline): Uncertain significance (1 of 4 stars; one submission).

Submission:

GeneDx
Classification: Uncertain significance. Last evaluated: 2022-11-28. Review status: criteria provided, single submitter. Criteria: GeneDx Variant Classification Process June 2021. Collection method: clinical testing. Allele origin: germline. Affected: yes.
Comment: Not observed at significant frequency in large population cohorts (gnomAD); In silico analysis supports that this missense variant does not alter protein structure/function; Has not been previously published as pathogenic or benign to our knowledge

NM_001366521.1(ATP2B1):c.3557A>G (p.Asn1186Ser)

Gene: ATP2B1 (ATPase plasma membrane Ca2+ transporting 1; minus strand). Cytogenetic location: 12q21.33.
Variant type: single nucleotide variant.
Coding change: c.3557A>G on transcript NM_001366521.1 (MANE Select); coding-DNA position 3557, A replaced by G.
Protein change: p.Asn1186Ser; replaces asparagine 1186 with serine.
Molecular consequence: missense variant. On other transcripts: 3 prime UTR variant (9), non-coding transcript variant (3).
Genome position (GRCh38, 1-based): chr12:89,591,090, T>C on the plus strand (A>G on the coding strand, the complement: ATP2B1 is on the minus strand). VCF-style: chr12-89591090-T-C. GRCh37 (hg19) VCF-style: chr12-89984867-T-C.
Other names: c.*180A>G (NM_001001323.2, NM_001366523.1, NM_001366528.1 and 2 more transcripts); c.3557A>G, p.Asn1186Ser (NM_001366520.1, NM_001366522.1, NM_001413046.1 and 2 more transcripts); c.3644A>G, p.Asn1215Ser (NM_001366524.1, NM_001366525.1); c.*193A>G (NM_001366526.1, NM_001366527.1, NM_001366529.1 and 1 more transcripts); c.3518A>G, p.Asn1173Ser (NM_001413048.1); c.3449A>G, p.Asn1150Ser (NM_001413049.1, NM_001413050.1); c.3416A>G, p.Asn1139Ser (NM_001413051.1, NM_001413052.1); c.3359A>G, p.Asn1120Ser (NM_001413053.1); and 5 more; short protein forms N1035S, N1101S, N1103S, N1105S, N1120S, N1139S, N1150S, N1173S.
Identifiers: ClinVar variation 2503359 (VCV002503359.1), dbSNP rs2540633614, ClinGen allele CA385997360.